The following is an entry in ClinVar:

NM_001349338.3(FOXP1):c.646C>T (p.Leu216Phe)

Gene: FOXP1 (forkhead box P1; minus strand). Cytogenetic location: 3p13.
Variant type: single nucleotide variant.
Coding change: c.646C>T on transcript NM_001349338.3 (MANE Select); coding-DNA position 646, C replaced by T.
Protein change: p.Leu216Phe; replaces leucine 216 with phenylalanine.
Molecular consequence: missense variant. On other transcripts: non-coding transcript variant (2).
Genome position (GRCh38, 1-based): chr3:71,046,960, G>A on the plus strand (C>T on the coding strand, the complement: FOXP1 is on the minus strand). VCF-style: chr3-71046960-G-A. GRCh37 (hg19) VCF-style: chr3-71096111-G-A.
Other names: c.646C>T, p.Leu216Phe (NM_001244808.3, NM_001244810.2, NM_001244814.3 and 4 more transcripts); c.418C>T, p.Leu140Phe (NM_001244812.3); c.346C>T, p.Leu116Phe (NM_001244813.3, NM_001244815.2, NM_001349342.3 and 1 more transcripts); c.343C>T, p.Leu115Phe (NM_001349337.2, NM_001349343.3, NM_001349344.3); c.643C>T, p.Leu215Phe (NM_001349341.3); c.646C>T (NM_032682.5); short protein forms L115F, L216F, L116F, L215F, L140F.
Identifiers: ClinVar variation 2821111 (VCV002821111.4), dbSNP rs1438218009, ClinGen allele CA353563048.

ClinVar aggregate classification (germline): Uncertain significance. Review status: criteria provided, multiple submitters, no conflicts (2 of 4 stars). 2 submissions from 2 submitters: Uncertain significance (2). Last evaluated 2025-10-29.

Conditions:
Inborn genetic diseases. Identifiers: MedGen C0950123, MeSH D030342.

Allele frequency attached by ClinVar (database versions not stated): gnomAD exomes below 0.00001; gnomAD 0.00001; TOPMed 0.00002.

Submissions (2):

Ambry Genetics
Classification: Uncertain significance for Inborn genetic diseases. Last evaluated: 2025-10-29. Review status: criteria provided, single submitter. Criteria: Ambry Variant Classification Scheme 2023. Collection method: clinical testing. Allele origin: germline.

Labcorp Genetics (formerly Invitae), Labcorp
Classification: Uncertain significance. Last evaluated: 2024-01-10. Review status: criteria provided, single submitter. Criteria: Invitae Variant Classification Sherloc (09022015). Collection method: clinical testing. Allele origin: germline.
Comment: This sequence change replaces leucine, which is neutral and non-polar, with phenylalanine, which is neutral and non-polar, at codon 216 of the FOXP1 protein (p.Leu216Phe). This variant is not present in population databases (gnomAD no frequency). This variant has not been reported in the literature in individuals affected with FOXP1-related conditions. Advanced modeling of protein sequence and biophysical properties (such as structural, functional, and spatial information, amino acid conservation, physicochemical variation, residue mobility, and thermodynamic stability) performed at Invitae indicates that this missense variant is not expected to disrupt FOXP1 protein function with a negative predictive value of 95%. In summary, the available evidence is currently insufficient to determine the role of this variant in disease. Therefore, it has been classified as a Variant of Uncertain Significance.